The following is an entry in ClinVar:

ClinVar aggregate classification (germline): Uncertain significance. Review status: criteria provided, multiple submitters, no conflicts (2 of 4 stars). 2 submissions from 2 submitters: Uncertain significance (2). Last evaluated 2024-04-22.

Conditions:
BRCA2-related cancer predisposition. Identifiers: MedGen CN377758, MONDO:0700269.
Hereditary cancer-predisposing syndrome. Also called: Hereditary Cancer Syndrome; Tumor predisposition; Hereditary neoplastic syndrome; Neoplastic Syndromes, Hereditary. Identifiers: Orphanet 140162, MedGen C0027672, MeSH D009386, MONDO:0015356.

Submissions (2):

Ambry Genetics
Classification: Uncertain significance for Hereditary cancer-predisposing syndrome. Last evaluated: 2024-04-22. Review status: criteria provided, single submitter. Criteria: Ambry Variant Classification Scheme 2023. Collection method: clinical testing. Allele origin: germline.
Comment: The p.K1381T variant (also known as c.4142A>C), located in coding exon 10 of the BRCA2 gene, results from an A to C substitution at nucleotide position 4142. The lysine at codon 1381 is replaced by threonine, an amino acid with similar properties. This amino acid position is conserved. In addition, this alteration is predicted to be tolerated by in silico analysis. Based on the available evidence, the clinical significance of this variant remains unclear.

All of Us Research Program, National Institutes of Health
Classification: Uncertain significance for BRCA2-related cancer predisposition. Last evaluated: 2024-02-22. Review status: criteria provided, single submitter. Criteria: ACMG Guidelines, 2015. Collection method: clinical testing. Allele origin: germline. Inheritance: Autosomal dominant inheritance. Observed: 1 variant allele, 1 heterozygote.
Comment: This missense variant replaces lysine with threonine at codon 1381 of the BRCA2 protein. Computational prediction suggests that this variant may not impact protein structure and function (internally defined REVEL score threshold <= 0.5, PMID: 27666373). To our knowledge, functional studies have not been reported for this variant. This variant has not been reported in individuals affected with BRCA2-related disorders in the literature. This variant has not been identified in the general population by the Genome Aggregation Database (gnomAD). The available evidence is insufficient to determine the role of this variant in disease conclusively. Therefore, this variant is classified as a Variant of Uncertain Significance.

This study involves interpretation of variants in research participants for the purpose of population health screening. Participant phenotype was not available at the time of variant classification. Additional details can be found in publication PMID: 35346344, PMCID: PMC8962531

NM_000059.4(BRCA2):c.4142A>C (p.Lys1381Thr)

Gene: BRCA2 (BRCA2 DNA repair associated; plus strand). Cytogenetic location: 13q13.1.
Variant type: single nucleotide variant.
Coding change: c.4142A>C on transcript NM_000059.4 (MANE Select); coding-DNA position 4142, A replaced by C.
Protein change: p.Lys1381Thr; replaces lysine 1381 with threonine.
Molecular consequence: missense variant. On other transcripts: non-coding transcript variant (1), intron variant (2).
Genome position (GRCh38, 1-based): chr13:32,338,497, A>C. VCF-style: chr13-32338497-A-C. GRCh37 (hg19) VCF-style: chr13-32912634-A-C.
Other names: c.4142A>C, p.Lys1381Thr (NM_001406719.1, NM_001406720.1); c.1909+5110A>C (NM_001406721.1); c.425-6061A>C (NM_001406722.1); short protein forms K1381T.
Identifiers: ClinVar variation 3261600 (VCV003261600.2).